The following is an entry in ClinVar:

ClinVar aggregate classification (germline): Uncertain significance (1 of 4 stars; one submission).

Conditions:
Fibrous dysplasia of jaw (CRBM). Also called: Cherubism. Identifiers: Orphanet 184, MedGen C0008029, MONDO:0007315, OMIM 118400.

Allele frequency attached by ClinVar (database versions not stated): TOPMed below 0.00001; gnomAD exomes 0.00001.
gnomAD v4.1: 25 of 1,612,916 alleles (0.0015%); highest among the groups gnomAD compares: Non-Finnish European, 0.0018%; no homozygotes.

Submission:

Labcorp Genetics (formerly Invitae), Labcorp
Classification: Uncertain significance for Fibrous dysplasia of jaw. Last evaluated: 2025-07-09. Review status: criteria provided, single submitter. Criteria: Invitae Variant Classification Sherloc (09022015). Collection method: clinical testing. Allele origin: germline.
Comment: This sequence change creates a premature translational stop signal (p.Arg275*) in the SH3BP2 gene. It is expected to result in an absent or disrupted protein product. However, the current clinical and genetic evidence is not sufficient to establish whether loss-of-function variants in SH3BP2 cause disease. This variant is present in population databases (no rsID available, gnomAD 0.01%). This variant has not been reported in the literature in individuals affected with SH3BP2-related conditions. ClinVar contains an entry for this variant (Variation ID: 1405486). In summary, the available evidence is currently insufficient to determine the role of this variant in disease. Therefore, it has been classified as a Variant of Uncertain Significance.

NM_001122681.2(SH3BP2):c.823C>T (p.Arg275Ter)

Gene: SH3BP2 (SH3 domain binding protein 2; plus strand). Cytogenetic location: 4p16.3.
Variant type: single nucleotide variant.
Coding change: c.823C>T on transcript NM_001122681.2 (MANE Select); coding-DNA position 823, C replaced by T.
Protein change: p.Arg275Ter; replaces arginine 275 with a stop codon.
Molecular consequence: nonsense.
Genome position (GRCh38, 1-based): chr4:2,829,729, C>T. VCF-style: chr4-2829729-C-T. GRCh37 (hg19) VCF-style: chr4-2831456-C-T.
Other names: c.907C>T, p.Arg303Ter (NM_001145855.2); c.994C>T, p.Arg332Ter (NM_001145856.2); c.823C>T, p.Arg275Ter (NM_003023.4); short protein forms R303*, R275*, R332*.
Identifiers: ClinVar variation 1405486 (VCV001405486.6), dbSNP rs1282774369, ClinGen allele CA356056194.